The following is an entry in ClinVar:

NM_005689.4(ABCB6):c.1374_1375insCA (p.Asn459fs)

Gene: ABCB6 (ATP binding cassette subfamily B member 6 (LAN blood group); minus strand). Cytogenetic location: 2q35.
Variant type: Insertion.
Coding change: c.1374_1375insCA on transcript NM_005689.4 (MANE Select); coding-DNA positions 1374 to 1375, CA inserted.
Protein change: p.Asn459fs; shifts the reading frame from asparagine 459.
Molecular consequence: frameshift variant.
Genome position: GRCh38 VCF-style: chr2-219214400-T-TTG. GRCh37 (hg19) VCF-style: chr2-220079122-T-TTG.
Other names: c.1236_1237insCA, p.Asn413fs (NM_001349828.2); short protein forms N413fs, N459fs.
Identifiers: ClinVar variation 2505880 (VCV002505880.1), dbSNP rs2544854460, ClinGen allele CA2580616700.
Genomic context (GRCh38, chr2:219,214,400, plus strand): 5'-TCCTCCACATCTCCACGCCTCACACCACTGCCACCGGGCCCTCTGTTACCGTCTCGAAGT[T>TTG]TAGCAGAGAGTCCACTGCTCGTGCCCGGGTAGCGTTCTCCTGTGTGTTCATAGCACGACG-3'

ClinVar aggregate classification (germline): Uncertain significance (1 of 4 stars; one submission).

Submission:

GeneDx
Classification: Uncertain significance. Last evaluated: 2022-12-19. Review status: criteria provided, single submitter. Criteria: GeneDx Variant Classification Process June 2021. Collection method: clinical testing. Allele origin: germline. Affected: yes.
Comment: Not observed at significant frequency in large population cohorts (gnomAD); Frameshift variant predicted to result in protein truncation or nonsense mediated decay in a gene or region of a gene for which loss of function is not a well-established mechanism of disease; Has not been previously published as pathogenic or benign to our knowledge